The following is an entry in ClinVar:

ClinVar aggregate classification (germline): Uncertain significance. Review status: criteria provided, multiple submitters, no conflicts (2 of 4 stars). 2 submissions from 2 submitters: Uncertain significance (2). Last evaluated 2025-05-01.

Submissions (2):

Ambry Genetics
Classification: Uncertain significance. Last evaluated: 2025-05-01. Review status: criteria provided, single submitter. Criteria: Ambry Variant Classification Scheme 2023. Collection method: clinical testing. Allele origin: germline.

Labcorp Genetics (formerly Invitae), Labcorp
Classification: Uncertain significance. Last evaluated: 2024-02-29. Review status: criteria provided, single submitter. Criteria: Invitae Variant Classification Sherloc (09022015). Collection method: clinical testing. Allele origin: germline.
Comment: This sequence change replaces phenylalanine, which is neutral and non-polar, with leucine, which is neutral and non-polar, at codon 319 of the GPR45 protein (p.Phe319Leu). This variant is present in population databases (rs773078857, gnomAD 0.01%). This variant has not been reported in the literature in individuals affected with GPR45-related conditions. An algorithm developed to predict the effect of missense changes on protein structure and function (PolyPhen-2) suggests that this variant is likely to be tolerated. In summary, the available evidence is currently insufficient to determine the role of this variant in disease. Therefore, it has been classified as a Variant of Uncertain Significance.

NM_007227.3(GPR45):c.955T>C (p.Phe319Leu)

Gene: GPR45 (G protein-coupled receptor 45; plus strand). Cytogenetic location: 2q12.1.
Variant type: single nucleotide variant.
Coding change: c.955T>C on transcript NM_007227.3 (MANE Select); coding-DNA position 955, T replaced by C.
Protein change: p.Phe319Leu; replaces phenylalanine 319 with leucine.
Molecular consequence: missense variant.
Genome position (GRCh38, 1-based): chr2:105,242,813, T>C. VCF-style: chr2-105242813-T-C. GRCh37 (hg19) VCF-style: chr2-105859270-T-C.
Other names: short protein forms F319L.
Identifiers: ClinVar variation 3637283 (VCV003637283.3).